The following is an entry in ClinVar:

NM_000368.5(TSC1):c.1334-16_1334-11del

Gene: TSC1 (TSC complex subunit 1; minus strand). Cytogenetic location: 9q34.13.
Variant type: Deletion.
Coding change: c.1334-16_1334-11del on transcript NM_000368.5 (MANE Select); 16 bases into the intron before coding-DNA position 1334 through 11 bases into the intron before coding-DNA position 1334, 6 bases deleted (CTTTGT; older notation c.1334-16_1334-11delCTTTGT).
Molecular consequence: intron variant.
Genome position (GRCh38, 1-based): chr9:132,906,846-132,906,851, ACAAAG deleted on the plus strand (CTTTGT on the coding strand, the reverse complement: TSC1 is on the minus strand); deleting any 6 consecutive bases within chr9:132,906,846-132,906,855 gives the same sequence; the c. name uses the placement nearest the transcript's 3' end. VCF-style (leftmost placement, unchanged base first): chr9-132906845-AACAAAG-A. GRCh37 (hg19) VCF-style: chr9-135782232-AACAAAG-A.
Other names: c.968-16_968-11del (NM_001406620.1, NM_001406625.1, NM_001406621.1 and 2 more transcripts); c.971-16_971-11del (NM_001406618.1, NM_001406617.1, NM_001406619.1 and 5 more transcripts); c.1178-16_1178-11del (NM_001406613.1, NM_001406612.1, NM_001406611.1); c.1181-16_1181-11del (NM_001406610.1, NM_001162427.2); c.380-16_380-11del (NM_001406627.1, NM_001406628.1); c.281-16_281-11del (NM_001406629.1, NM_001406630.1); c.1331-16_1331-11del (NM_001406603.1, NM_001406609.1, NM_001406597.1 and 6 more transcripts); c.1334-16_1334-11del (NM_001406602.1, NM_001406606.1, NM_001406592.1 and 7 more transcripts); and 2 more.
Identifiers: ClinVar variation 3769097 (VCV003769097.2).

ClinVar aggregate classification (germline): Likely benign (1 of 4 stars; one submission).

Submission:

Women's Health and Genetics/Laboratory Corporation of America, LabCorp
Classification: Likely benign. Last evaluated: 2025-01-14. Review status: criteria provided, single submitter. Criteria: LabCorp Variant Classification Summary - May 2015. Collection method: clinical testing. Allele origin: germline.
Comment: Variant summary: TSC1 c.1334-16_1334-11delCTTTGT alters a non-conserved nucleotide located at a position not widely known to affect splicing. Consensus agreement among computation tools predict no significant impact on normal splicing. However, these predictions have yet to be confirmed by functional studies. The variant was absent in 1603976 control chromosomes. The available data on variant occurrences in the general population are insufficient to allow any conclusion about variant significance. To our knowledge, no occurrence of c.1334-16_1334-11delCTTTGT in individuals affected with Tuberous Sclerosis Complex and no experimental evidence demonstrating its impact on protein function have been reported. No submitters have cited clinical-significance assessments for this variant to ClinVar. Based on the evidence outlined above, the variant was classified as likely benign.